The following is an entry in ClinVar:

ClinVar aggregate classification (germline): Uncertain significance (1 of 4 stars; one submission).

Submission:

Labcorp Genetics (formerly Invitae), Labcorp
Classification: Uncertain significance. Last evaluated: 2024-10-15. Review status: criteria provided, single submitter. Criteria: Invitae Variant Classification Sherloc (09022015). Collection method: clinical testing. Allele origin: germline.
Comment: This sequence change replaces isoleucine, which is neutral and non-polar, with lysine, which is basic and polar, at codon 9 of the CTNNA1 protein (p.Ile9Lys). This variant is not present in population databases (gnomAD no frequency). This variant has not been reported in the literature in individuals affected with CTNNA1-related conditions. Invitae Evidence Modeling of protein sequence and biophysical properties (such as structural, functional, and spatial information, amino acid conservation, physicochemical variation, residue mobility, and thermodynamic stability) indicates that this missense variant is not expected to disrupt CTNNA1 protein function with a negative predictive value of 80%. In summary, the available evidence is currently insufficient to determine the role of this variant in disease. Therefore, it has been classified as a Variant of Uncertain Significance.

NM_001903.5(CTNNA1):c.26T>A (p.Ile9Lys)

Gene: CTNNA1 (catenin alpha 1; plus strand). Cytogenetic location: 5q31.2.
Variant type: single nucleotide variant.
Coding change: c.26T>A on transcript NM_001903.5 (MANE Select); coding-DNA position 26, T replaced by A.
Protein change: p.Ile9Lys; replaces isoleucine 9 with lysine.
Molecular consequence: missense variant. On other transcripts: 5 prime UTR variant (2).
Genome position (GRCh38, 1-based): chr5:138,781,950, T>A. VCF-style: chr5-138781950-T-A. GRCh37 (hg19) VCF-style: chr5-138117639-T-A.
Other names: c.26T>A, p.Ile9Lys (NM_001290307.3, NM_001323982.2, NM_001323983.1 and 3 more transcripts); c.-88T>A (NM_001290309.3); c.-181T>A (NM_001290310.3); short protein forms I9K.
Identifiers: ClinVar variation 3663402 (VCV003663402.2).